The following is an entry in ClinVar:

NM_138387.4(G6PC3):c.929A>T (p.Tyr310Phe)

Gene: G6PC3 (glucose-6-phosphatase catalytic subunit 3; plus strand). Cytogenetic location: 17q21.31.
Variant type: single nucleotide variant.
Coding change: c.929A>T on transcript NM_138387.4 (MANE Select); coding-DNA position 929, A replaced by T.
Protein change: p.Tyr310Phe; replaces tyrosine 310 with phenylalanine.
Molecular consequence: missense variant. On other transcripts: 3 prime UTR variant (1).
Genome position (GRCh38, 1-based): chr17:44,075,931, A>T. VCF-style: chr17-44075931-A-T. GRCh37 (hg19) VCF-style: chr17-42153299-A-T.
Other names: c.*222A>T (NM_001319945.2); c.584A>T, p.Tyr195Phe (NM_001384165.1, NM_001384166.1, NM_001384167.1 and 1 more transcripts); short protein forms Y310F, Y195F.
Identifiers: ClinVar variation 1371076 (VCV001371076.3), dbSNP rs2144156840, ClinGen allele CA399729609.
Genomic context (GRCh38, chr17:44,075,931, plus strand): 5'-CCATGGGGCTGCTGGGCCCCCTGGACTGGCTGGGCCACCCCCCTCAGATCAGCCTCTTCT[A>T]CATTTTCAATTTCCTCAAGTACACCCTCTGGCCATGCCTAGTCCTGGCCCTCGTGCCCTG-3'
Protein context (NP_612396.1, residues 300-320): LGHPPQISLF[Tyr310Phe]IFNFLKYTLW

ClinVar aggregate classification (germline): Uncertain significance (1 of 4 stars; one submission).

Conditions:
Autosomal recessive severe congenital neutropenia due to G6PC3 deficiency. Also called: G6PC3 Deficiency; NEUTROPENIA, SEVERE CONGENITAL, 4, AUTOSOMAL RECESSIVE. Identifiers: Orphanet 331176, MedGen C2751630, MONDO:0012930, OMIM 612541.

Submission:

Labcorp Genetics (formerly Invitae), Labcorp
Classification: Uncertain significance for Autosomal recessive severe congenital neutropenia due to G6PC3 deficiency. Last evaluated: 2021-10-02. Review status: criteria provided, single submitter. Criteria: Invitae Variant Classification Sherloc (09022015). Collection method: clinical testing. Allele origin: germline.
Comment: This sequence change replaces tyrosine with phenylalanine at codon 310 of the G6PC3 protein (p.Tyr310Phe). The tyrosine residue is moderately conserved and there is a small physicochemical difference between tyrosine and phenylalanine. This variant is not present in population databases (ExAC no frequency). This variant has not been reported in the literature in individuals affected with G6PC3-related conditions. Algorithms developed to predict the effect of missense changes on protein structure and function are either unavailable or do not agree on the potential impact of this missense change (SIFT: "Tolerated"; PolyPhen-2: "Probably Damaging"; Align-GVGD: "Class C0"). In summary, the available evidence is currently insufficient to determine the role of this variant in disease. Therefore, it has been classified as a Variant of Uncertain Significance.